The following is an entry in ClinVar:

ClinVar aggregate classification (germline): Conflicting classifications of pathogenicity. Review status: criteria provided, conflicting classifications (1 of 4 stars). 3 submissions from 3 submitters: Likely pathogenic (1); Uncertain significance (2). Last evaluated 2026-03-02.

Conditions:
Multiple acyl-CoA dehydrogenase deficiency (MADD). Also called: ETHYLMALONIC-ADIPICACIDURIA; GA II; Glutaric aciduria, type 2; Glutaric acidemia type II; GA 2; Glutaric Acidemia type 2. Identifiers: Orphanet 26791, MedGen C0268596, MONDO:0009282, OMIM 231680.

gnomAD v4.1: 1 of 1,612,946 alleles (0.000062%); highest among the groups gnomAD compares: Non-Finnish European, 0.000085%; no homozygotes.

Submissions (3):

Division of Neurology, Stellenbosch University
Classification: Likely pathogenic for Multiple acyl-CoA dehydrogenase deficiency. Last evaluated: 2026-03-02. Review status: criteria provided, single submitter. Criteria: ACMG Guidelines, 2015. Collection method: research. Allele origin: germline. Inheritance: Autosomal recessive inheritance. Affected: yes. Observed: 1 variant allele.
Comment: PP3_Strong: REVEL score is 0.974. PM1_Moderate: Located in a mutational hot spot and/or critical and well-established functional domain without benign variation. PM2_Supporting: the highest population allele frequency in gnomAD v4.1 is 0.0000008481 (0.00008%; 1/1179106 alleles in European non-Finnish population).PM3_Supporting: Detected together with a pathogenic variant (ENST00000307738.5:c.1307C>T), phase unknown. PP2_Supporting: Missense variant in a gene with low rate of benign missense mutations and for which missense mutation is a common mechanism of a disease. Sequencing funded by the International Centre for Genomic Medicine in Neuromuscular Diseases (ICGNMD).

Women's Health and Genetics/Laboratory Corporation of America, LabCorp
Classification: Uncertain significance. Last evaluated: 2025-04-17. Review status: criteria provided, single submitter. Criteria: LabCorp Variant Classification Summary - May 2015. Collection method: clinical testing. Allele origin: germline.
Comment: Variant summary: ETFDH c.740G>T (p.Gly247Val) results in a non-conservative amino acid change in the encoded protein sequence. Five of five in-silico tools predict a damaging effect of the variant on protein function. The variant allele was found at a frequency of 4e-06 in 251222 control chromosomes. c.740G>T has been observed in compound heterozygous individuals affected with Glutaric Aciduria, Type 2c. These data indicate that the variant may be associated with disease. To our knowledge, no experimental evidence demonstrating an impact on protein function has been reported. The following publications have been ascertained in the context of this evaluation (PMID: 38221620, 30681493). ClinVar contains an entry for this variant (Variation ID: 3771870). Based on the evidence outlined above, the variant was classified as VUS-possibly pathogenic.

CeGaT Center for Human Genetics Tuebingen
Classification: Uncertain significance. Last evaluated: 2025-02-01. Review status: criteria provided, single submitter. Criteria: CeGaT Center For Human Genetics Tuebingen Variant Classification Criteria Version 2. Collection method: clinical testing. Allele origin: germline. Affected: yes. Observed: 1 variant allele.
Comment: ETFDH: PM5, PP3

Literature cited by the submitters: PubMed 38221620 (cited by Division of Neurology, Stellenbosch University and Women's Health and Genetics/Laboratory Corporation of America, LabCorp); PubMed 30681493 (cited by Women's Health and Genetics/Laboratory Corporation of America, LabCorp).

NM_004453.4(ETFDH):c.740G>T (p.Gly247Val)

Gene: ETFDH (electron transfer flavoprotein dehydrogenase; plus strand). Cytogenetic location: 4q32.1.
Variant type: single nucleotide variant.
Coding change: c.740G>T on transcript NM_004453.4 (MANE Select); coding-DNA position 740, G replaced by T.
Protein change: p.Gly247Val; replaces glycine 247 with valine.
Molecular consequence: missense variant.
Genome position (GRCh38, 1-based): chr4:158,695,552, G>T. VCF-style: chr4-158695552-G-T. GRCh37 (hg19) VCF-style: chr4-159616704-G-T.
Other names: c.599G>T, p.Gly200Val (NM_001281737.2); c.557G>T, p.Gly186Val (NM_001281738.1); short protein forms G186V, G200V, G247V.
Identifiers: ClinVar variation 3771870 (VCV003771870.15), dbSNP rs1384574225.
Genomic context (GRCh38, chr4:158,695,552, plus strand): 5'-TTCAGGCAACATTTGAGAGAGGACTGGAACTACATGCTAAAGTCACAATTTTTGCAGAAG[G>T]TTGCCATGGACATCTAGCCAAGCAACTATATAAGAAGTTTGATTTGAGAGCAAATTGTGA-3'
Protein context (NP_004444.2, residues 237-257): LHAKVTIFAE[Gly247Val]CHGHLAKQLY